The following is an entry in ClinVar:

NM_152703.5(SAMD9L):c.3255T>A (p.Cys1085Ter)

Gene: SAMD9L (sterile alpha motif domain containing 9 like; minus strand). Cytogenetic location: 7q21.2.
Variant type: single nucleotide variant.
Coding change: c.3255T>A on transcript NM_152703.5 (MANE Select); coding-DNA position 3255, T replaced by A.
Protein change: p.Cys1085Ter; replaces cysteine 1085 with a stop codon.
Molecular consequence: nonsense.
Genome position (GRCh38, 1-based): chr7:93,132,717, A>T on the plus strand (T>A on the coding strand, the complement: SAMD9L is on the minus strand). VCF-style: chr7-93132717-A-T. GRCh37 (hg19) VCF-style: chr7-92762030-A-T.
Other names: c.3255T>A, p.Cys1085Ter (NM_001303496.3, NM_001303497.3, NM_001303498.3 and 5 more transcripts); short protein forms C1085*.
Identifiers: ClinVar variation 1707816 (VCV001707816.2), dbSNP rs2535413939, ClinGen allele CA368183900.
Genomic context (GRCh38, chr7:93,132,717, plus strand): 5'-CCAGTCCAGAGCTGTGTTAAAGTCCTTCTCTTTAATGTAGAAATGTCTTGCTAAGGCTTG[A>T]CAAATGAATGCATTTTGTGGGAATCGTCTACTTCCTGCACTCAAGACCTTTTCAATGTCT-3'

ClinVar aggregate classification (germline): Uncertain significance (1 of 4 stars; one submission).

Submission:

GeneDx
Classification: Uncertain significance. Last evaluated: 2022-03-11. Review status: criteria provided, single submitter. Criteria: GeneDx Variant Classification Process June 2021. Collection method: clinical testing. Allele origin: germline. Affected: yes.
Comment: Not observed at significant frequency in large population cohorts (gnomAD); Nonsense variant predicted to result in protein truncation or nonsense mediated decay in a gene for which loss-of-function is not a known mechanism of disease; Has not been previously published as pathogenic or benign to our knowledge